The following is an entry in ClinVar:

NM_000152.5(GAA):c.2776T>C (p.Phe926Leu)

Gene: GAA (alpha glucosidase; plus strand). Cytogenetic location: 17q25.3.
Variant type: single nucleotide variant.
Coding change: c.2776T>C on transcript NM_000152.5 (MANE Select); coding-DNA position 2776, T replaced by C.
Protein change: p.Phe926Leu; replaces phenylalanine 926 with leucine.
Molecular consequence: missense variant.
Genome position (GRCh38, 1-based): chr17:80,118,782, T>C. VCF-style: chr17-80118782-T-C. GRCh37 (hg19) VCF-style: chr17-78092581-T-C.
Other names: c.2776T>C (LRG_673t1); c.2776T>C, p.Phe926Leu (NM_001079803.3, NM_001079804.3); short protein forms F926L.
Identifiers: ClinVar variation 456416 (VCV000456416.7), dbSNP rs1555603301, ClinGen allele CA401327325.

ClinVar aggregate classification (germline): Uncertain significance (1 of 4 stars; one submission).

Conditions:
Glycogen storage disease, type II (IOPD). Also called: Glucosidase acid-1,4-alpha deficiency; Pompe Disease; POMPE DISEASE, INFANTILE-ONSET; GLYCOGEN STORAGE DISEASE II, INFANTILE-ONSET; ACID ALPHA-GLUCOSIDASE DEFICIENCY, INFANTILE-ONSET; GAA DEFICIENCY, INFANTILE-ONSET. Identifiers: Orphanet 365, MedGen C0017921, MONDO:0009290, OMIM 232300.

Submission:

Labcorp Genetics (formerly Invitae), Labcorp
Classification: Uncertain significance for Glycogen storage disease, type II. Last evaluated: 2021-08-27. Review status: criteria provided, single submitter. Criteria: Invitae Variant Classification Sherloc (09022015). Collection method: clinical testing. Allele origin: germline.
Comment: This sequence change replaces phenylalanine with leucine at codon 926 of the GAA protein (p.Phe926Leu). The phenylalanine residue is moderately conserved and there is a small physicochemical difference between phenylalanine and leucine. This variant is not present in population databases (ExAC no frequency). This variant has not been reported in the literature in individuals affected with GAA-related conditions. ClinVar contains an entry for this variant (Variation ID: 456416). Algorithms developed to predict the effect of missense changes on protein structure and function (SIFT, PolyPhen-2, Align-GVGD) all suggest that this variant is likely to be tolerated. In summary, the available evidence is currently insufficient to determine the role of this variant in disease. Therefore, it has been classified as a Variant of Uncertain Significance.